The following is an entry in ClinVar:

ClinVar aggregate classification (germline): Uncertain significance (1 of 4 stars; one submission).

Conditions:
CACNA1G-related intellectual developmental disorder.

Submission:

Dasa
Classification: Uncertain significance for CACNA1G-related intellectual developmental disorder. Last evaluated: 2025-11-07. Review status: criteria provided, single submitter. Criteria: DASA Assertion Criteria. Collection method: clinical testing. Allele origin: germline.
Comment: NM_018896.5(CACNA1G):c.682G>T (p.Val228Phe) is a missense variant that results in the substitution of valine with phenylalanine. This variant is absent from population databases. Computational prediction algorithms are consistent with a deleterious effect. The currently available literature and clinical evidence are not sufficient to establish a definitive association between this variant and the reported condition. Therefore, this variant is classified as a variant of uncertain significance.

NM_018896.5(CACNA1G):c.682G>T (p.Val228Phe)

Gene: CACNA1G (calcium voltage-gated channel subunit alpha1 G; plus strand). Cytogenetic location: 17q21.33.
Variant type: single nucleotide variant.
Coding change: c.682G>T on transcript NM_018896.5 (MANE Select); coding-DNA position 682, G replaced by T.
Protein change: p.Val228Phe; replaces valine 228 with phenylalanine.
Molecular consequence: missense variant. On other transcripts: non-coding transcript variant (5).
Genome position (GRCh38, 1-based): chr17:50,571,973, G>T. VCF-style: chr17-50571973-G-T. GRCh37 (hg19) VCF-style: chr17-48649334-G-T.
Other names: c.682G>T, p.Val228Phe (NM_001256334.2, NM_001256359.2, NM_001256360.2 and 24 more transcripts); short protein forms V228F.
Identifiers: ClinVar variation 4883429 (VCV004883429.2).
Genomic context (GRCh38, chr17:50,571,973, plus strand): 5'-CTGCCCATGCTGGGCAACGTCCTGCTGCTCTGCTTCTTCGTCTTCTTCATCTTCGGCATC[G>T]TCGGCGTCCAGCTGTGGGCAGGGCTGCTTCGGAACCGATGCTTCCTACCTGAGAATTTCA-3'
Protein context (NP_061496.2, residues 218-238): CFFVFFIFGI[Val228Phe]GVQLWAGLLR